The following is an entry in ClinVar:

ClinVar aggregate classification (germline): Uncertain significance (1 of 4 stars; one submission).

Submission:

GeneDx
Classification: Uncertain significance. Last evaluated: 2023-01-18. Review status: criteria provided, single submitter. Criteria: GeneDx Variant Classification Process June 2021. Collection method: clinical testing. Allele origin: germline. Affected: yes.
Comment: Not observed at significant frequency in large population cohorts (gnomAD); In silico analysis supports that this missense variant does not alter protein structure/function; Has not been previously published as pathogenic or benign to our knowledge

NM_030912.3(TRIM8):c.1300C>A (p.Pro434Thr)

Gene: TRIM8 (tripartite motif containing 8; plus strand). Cytogenetic location: 10q24.32.
Variant type: single nucleotide variant.
Coding change: c.1300C>A on transcript NM_030912.3 (MANE Select); coding-DNA position 1300, C replaced by A.
Protein change: p.Pro434Thr; replaces proline 434 with threonine.
Molecular consequence: missense variant. On other transcripts: non-coding transcript variant (1).
Genome position (GRCh38, 1-based): chr10:102,656,998, C>A. VCF-style: chr10-102656998-C-A. GRCh37 (hg19) VCF-style: chr10-104416755-C-A.
Other names: c.1204C>A, p.Pro402Thr (NM_001345950.1); short protein forms P402T, P434T.
Identifiers: ClinVar variation 2573957 (VCV002573957.1), dbSNP rs777251455, ClinGen allele CA377932004.
Genomic context (GRCh38, chr10:102,656,998, plus strand): 5'-CAGCCCCTGGGGCCCTGCAGCTCCACGCAGCACTTGGTGGCCCTGCCGGGCGGCGCCCAA[C>A]CAGTGCACTCAAGCCCCGTGTTCCCCCCATCGCAGTATCCCAATGGCTCCGCCGCCCAGC-3'
Protein context (NP_112174.2, residues 424-444): HLVALPGGAQ[Pro434Thr]VHSSPVFPPS